The following is an entry in ClinVar:

NM_001004334.4(GPR179):c.1196T>C (p.Met399Thr)

Gene: GPR179 (G protein-coupled receptor 179; minus strand). Cytogenetic location: 17q12.
Variant type: single nucleotide variant.
Coding change: c.1196T>C on transcript NM_001004334.4 (MANE Select); coding-DNA position 1196, T replaced by C.
Protein change: p.Met399Thr; replaces methionine 399 with threonine.
Molecular consequence: missense variant.
Genome position (GRCh38, 1-based): chr17:38,337,009, A>G on the plus strand (T>C on the coding strand, the complement: GPR179 is on the minus strand). VCF-style: chr17-38337009-A-G. GRCh37 (hg19) VCF-style: chr17-36492892-A-G.
Other names: short protein forms M399T.
Identifiers: ClinVar variation 1472664 (VCV001472664.6), dbSNP rs761974469, ClinGen allele CA290109306.
Genomic context (GRCh38, chr17:38,337,009, plus strand): 5'-GTGTGTAGGAGGTGTGGGGCCTTCCTTGCCTTGTTCCGGCGGCAGCGGTAGGAGACCAGC[A>G]TGCTCAGGAAGATGGCCAGCATGCAGCAGGCCTGGCAGGCCAGCACAGCGGCCCGCAGCA-3'
Protein context (NP_001004334.3, residues 389-409): ACCMLAIFLS[Met399Thr]LVSYRCRRNK

ClinVar aggregate classification (germline): Uncertain significance (1 of 4 stars; one submission).

Allele frequency attached by ClinVar (database versions not stated): gnomAD 0.00001; TOPMed 0.00001; gnomAD exomes 0.00002; ExAC 0.00006.
gnomAD v4.1: 11 of 1,606,312 alleles (0.00068%); highest among the groups gnomAD compares: South Asian, 0.0078%; no homozygotes.

Submission:

Labcorp Genetics (formerly Invitae), Labcorp
Classification: Uncertain significance. Last evaluated: 2021-12-15. Review status: criteria provided, single submitter. Criteria: Invitae Variant Classification Sherloc (09022015). Collection method: clinical testing. Allele origin: germline.
Comment: In summary, the available evidence is currently insufficient to determine the role of this variant in disease. Therefore, it has been classified as a Variant of Uncertain Significance. Algorithms developed to predict the effect of missense changes on protein structure and function are either unavailable or do not agree on the potential impact of this missense change (SIFT: "Tolerated"; PolyPhen-2: "Probably Damaging"; Align-GVGD: "Class C0"). This variant has not been reported in the literature in individuals affected with GPR179-related conditions. This variant is present in population databases (rs761974469, gnomAD 0.01%). This sequence change replaces methionine, which is neutral and non-polar, with threonine, which is neutral and polar, at codon 399 of the GPR179 protein (p.Met399Thr).